The following is an entry in ClinVar:

NM_001267550.2(TTN):c.41330-1G>T

Gene: TTN (titin; minus strand). Cytogenetic location: 2q31.2.
Variant type: single nucleotide variant.
Coding change: c.41330-1G>T on transcript NM_001267550.2 (MANE Select); the canonical splice acceptor site of the intron before coding-DNA position 41330, G replaced by T.
Molecular consequence: splice acceptor variant.
Genome position (GRCh38, 1-based): chr2:178,636,242, C>A on the plus strand (G>T on the coding strand, the complement: TTN is on the minus strand). VCF-style: chr2-178636242-C-A. GRCh37 (hg19) VCF-style: chr2-179500969-C-A.
Other names: c.14135-1G>T (NM_003319.4); c.14711-1G>T (NM_133437.4); c.14510-1G>T (NM_133432.3); c.33626-1G>T (NM_133378.4); c.36407-1G>T (NM_001256850.1).
Identifiers: ClinVar variation 1383432 (VCV001383432.6), dbSNP rs2154230691, ClinGen allele CA349660568.
Genomic context (GRCh38, chr2:178,636,242, plus strand): 5'-GCTGTCCTTTGACCACTGTGACTTCCTCTTCCAGTGTTTTTACAAAACGCACAGGAAGTT[C>A]TATGGAGAATTTCAGTATATATTTCAATAAATACAATATTTTCAATGAAATAAAACTTGG-3'

ClinVar aggregate classification (germline): Likely pathogenic (1 of 4 stars; one submission).

Conditions:
Dilated cardiomyopathy 1G (CMD1G). Identifiers: Orphanet 154, MedGen C1858763, MONDO:0011400, OMIM 604145.
Autosomal recessive limb-girdle muscular dystrophy type 2J (LGMDR10). Also called: MUSCULAR DYSTROPHY, LIMB-GIRDLE, AUTOSOMAL RECESSIVE 10; Limb-girdle muscular dystrophy, type 2J. Identifiers: Orphanet 140922, MedGen C1837342, MONDO:0012127, OMIM 608807.

gnomAD v4.1: 1 of 1,542,168 alleles (0.000065%); highest among the groups gnomAD compares: South Asian, 0.0013%; no homozygotes.

Submission:

Labcorp Genetics (formerly Invitae), Labcorp
Classification: Likely pathogenic for Dilated cardiomyopathy 1G; Autosomal recessive limb-girdle muscular dystrophy type 2J. Last evaluated: 2025-10-13. Review status: criteria provided, single submitter. Criteria: Invitae Variant Classification Sherloc (09022015). Collection method: clinical testing. Allele origin: germline.
Comment: This sequence change affects an acceptor splice site in intron 225 of the TTN gene. It is expected to disrupt RNA splicing and likely results in a truncated or disrupted TTN protein. This variant is not present in population databases (gnomAD no frequency). Disruption of this splice site has been observed in individual(s) with cardiomyopathy (PMID: 39844436). ClinVar contains an entry for this variant (Variation ID: 1383432). Algorithms developed to predict the effect of sequence changes on RNA splicing suggest that this variant may disrupt the consensus splice site. This variant is located in the I band of TTN (PMID: 25589632). Truncating variants in this region have been reported in individuals affected with autosomal recessive centronuclear myopathy (PMID: 23975875, internal data). Truncating variants in this region have also been identified in individuals affected with autosomal dominant dilated cardiomyopathy and/or cardio-related conditions (PMID: 27869827, 32964742, internal data). In summary, the currently available evidence indicates that the variant is pathogenic, but additional data are needed to prove that conclusively. Therefore, this variant has been classified as Likely Pathogenic.

Literature cited by the submitters: PubMed 39844436; PubMed 25589632; PubMed 23975875; PubMed 27869827; PubMed 32964742.